The following is an entry in ClinVar:

ClinVar aggregate classification (germline): Uncertain significance. Review status: criteria provided, multiple submitters, no conflicts (2 of 4 stars). 4 submissions from 4 submitters: Uncertain significance (4). Last evaluated 2025-08-18.

Conditions:
Peutz-Jeghers syndrome (PJS). Also called: Peutz-Jeghers polyposis; Periorificial lentiginosis syndrome; POLYPOSIS, HAMARTOMATOUS INTESTINAL; POLYPS-AND-SPOTS SYNDROME. Identifiers: Orphanet 2869, MedGen C0031269, MeSH D010580, MONDO:0008280, OMIM 175200.
Hereditary cancer-predisposing syndrome. Also called: Neoplastic Syndromes, Hereditary; Hereditary Cancer Syndrome; Hereditary neoplastic syndrome; Tumor predisposition. Identifiers: Orphanet 140162, MedGen C0027672, MeSH D009386, MONDO:0015356.

Submissions (4):

Labcorp Genetics (formerly Invitae), Labcorp
Classification: Uncertain significance for Peutz-Jeghers syndrome. Last evaluated: 2025-08-18. Review status: criteria provided, single submitter. Criteria: Invitae Variant Classification Sherloc (09022015). Collection method: clinical testing. Allele origin: germline.
Comment: This sequence change replaces leucine, which is neutral and non-polar, with isoleucine, which is neutral and non-polar, at codon 184 of the STK11 protein (p.Leu184Ile). This variant is not present in population databases (gnomAD no frequency). This variant has not been reported in the literature in individuals affected with STK11-related conditions. ClinVar contains an entry for this variant (Variation ID: 825793). Invitae Evidence Modeling of protein sequence and biophysical properties (such as structural, functional, and spatial information, amino acid conservation, physicochemical variation, residue mobility, and thermodynamic stability) has been performed for this missense variant. However, the output from this modeling did not meet the statistical confidence thresholds required to predict the impact of this variant on STK11 protein function. In summary, the available evidence is currently insufficient to determine the role of this variant in disease. Therefore, it has been classified as a Variant of Uncertain Significance.

Color Diagnostics, LLC DBA Color Health
Classification: Uncertain significance for Hereditary cancer-predisposing syndrome. Last evaluated: 2024-03-06. Review status: criteria provided, single submitter. Criteria: ACMG Guidelines, 2015. Collection method: clinical testing. Allele origin: germline.
Comment: This missense variant replaces leucine with isoleucine at codon 184 of the STK11 protein. Computational prediction suggests that this variant may not impact protein structure and function (internally defined REVEL score threshold <= 0.5, PMID: 27666373). Splice site prediction tools suggest that this variant may not impact RNA splicing. To our knowledge, functional studies have not been performed for this variant. This variant has not been reported in individuals affected with hereditary cancer in the literature. This variant has not been identified in the general population by the Genome Aggregation Database (gnomAD). The available evidence is insufficient to determine the role of this variant in disease conclusively. Therefore, this variant is classified as a Variant of Uncertain Significance.

Genome-Nilou Lab
Classification: Uncertain significance for Peutz-Jeghers syndrome. Last evaluated: 2021-07-15. Review status: criteria provided, single submitter. Criteria: ACMG Guidelines, 2015. Collection method: clinical testing. Allele origin: germline. Affected: no.

Ambry Genetics
Classification: Uncertain significance for Hereditary cancer-predisposing syndrome. Last evaluated: 2018-02-15. Review status: criteria provided, single submitter. Criteria: Ambry Variant Classification Scheme 2023. Collection method: clinical testing. Allele origin: germline.
Comment: The p.L184I variant (also known as c.550C>A), located in coding exon 4 of the STK11 gene, results from a C to A substitution at nucleotide position 550. The leucine at codon 184 is replaced by isoleucine, an amino acid with highly similar properties. This amino acid position is highly conserved in available vertebrate species. In addition, the in silico prediction for this alteration is inconclusive. Since supporting evidence is limited at this time, the clinical significance of this alteration remains unclear.

NM_000455.5(STK11):c.550C>A (p.Leu184Ile)

Gene: STK11 (serine/threonine kinase 11; plus strand). Cytogenetic location: 19p13.3.
Variant type: single nucleotide variant.
Coding change: c.550C>A on transcript NM_000455.5 (MANE Select); coding-DNA position 550, C replaced by A.
Protein change: p.Leu184Ile; replaces leucine 184 with isoleucine.
Molecular consequence: missense variant.
Genome position (GRCh38, 1-based): chr19:1,220,458, C>A. VCF-style: chr19-1220458-C-A. GRCh37 (hg19) VCF-style: chr19-1220457-C-A.
Other names: short protein forms L184I.
Identifiers: ClinVar variation 825793 (VCV000825793.11), dbSNP rs1185119025, ClinGen allele CA402949132.
Genomic context (GRCh38, chr19:1,220,458, plus strand): 5'-CTGGAGTACCTGCATAGCCAGGGCATTGTGCACAAGGACATCAAGCCGGGGAACCTGCTG[C>A]TCACCACCGGTGGCACCCTCAAAATCTCCGACCTGGGCGTGGCCGAGGTAGGCACGTGCT-3'
Protein context (NP_000446.1, residues 174-194): HKDIKPGNLL[Leu184Ile]TTGGTLKISD